The following is an entry in ClinVar:

ClinVar aggregate classification (germline): Benign/Likely benign. Review status: criteria provided, multiple submitters, no conflicts (2 of 4 stars). 7 submissions from 7 submitters: Benign (2); Likely benign (3). 2 of the submissions do not count toward it. Last evaluated 2026-01-01.

Conditions:
Treacher Collins syndrome 1 (TCS1). Also called: TCOF1-Related Treacher Collins Syndrome. Identifiers: Orphanet 861, MedGen CN315775, MONDO:0007944, OMIM 154500.
Inborn genetic diseases. Identifiers: MedGen C0950123, MeSH D030342.

Allele frequency attached by ClinVar (database versions not stated): gnomAD exomes 0.00011 and 0.00034; ExAC 0.00042; 1000 Genomes Project 0.00080; 1000 Genomes Project 30x 0.00094; gnomAD 0.00117 and 0.00129; TOPMed 0.00127; ESP Exome Variant Server 0.00139.
gnomAD v4.1: 342 of 1,608,748 alleles (0.021%); highest among the groups gnomAD compares: African/African-American, 0.4%; 1 homozygote.

Submissions (7):

CeGaT Center for Human Genetics Tuebingen
Classification: Likely benign. Last evaluated: 2026-01-01. Review status: criteria provided, single submitter. Criteria: CeGaT Center For Human Genetics Tuebingen Variant Classification Criteria Version 2. Collection method: clinical testing. Allele origin: germline. Affected: yes. Observed: 5 variant alleles.
Comment: TCOF1: BP4, BS1

Labcorp Genetics (formerly Invitae), Labcorp
Classification: Benign for Treacher Collins syndrome 1. Last evaluated: 2025-12-10. Review status: criteria provided, single submitter. Criteria: Invitae Variant Classification Sherloc (09022015). Collection method: clinical testing. Allele origin: germline.

Blueprint Genetics
Classification: Likely benign. Last evaluated: 2024-10-23. Review status: criteria provided, single submitter. Criteria: ACMG Guidelines, 2015. Collection method: clinical testing. Allele origin: germline.

Ambry Genetics
Classification: Likely benign for Inborn genetic diseases. Last evaluated: 2021-12-08. Review status: criteria provided, single submitter. Criteria: Ambry Variant Classification Scheme 2023. Collection method: clinical testing. Allele origin: germline.

GeneDx
Classification: Benign. Last evaluated: 2019-06-24. Review status: criteria provided, single submitter. Criteria: GeneDx Variant Classification Process June 2021. Collection method: clinical testing. Allele origin: germline. Affected: yes.

Clinical Genetics DNA and cytogenetics Diagnostics Lab, Erasmus MC, Erasmus Medical Center
Classification: Likely benign. Review status: no assertion criteria provided. Collection method: clinical testing. Allele origin: germline. Affected: yes. Study: VKGL Data-share Consensus. Not counted in ClinVar's aggregate classification.

Laboratory of Diagnostic Genome Analysis, Leiden University Medical Center (LUMC)
Classification: Likely benign. Review status: no assertion criteria provided. Collection method: clinical testing. Allele origin: germline. Affected: yes. Study: VKGL Data-share Consensus. Not counted in ClinVar's aggregate classification.

NM_001371623.1(TCOF1):c.1300C>T (p.Pro434Ser)

Gene: TCOF1 (treacle ribosome biogenesis factor 1; plus strand). Cytogenetic location: 5q32.
Variant type: single nucleotide variant.
Coding change: c.1300C>T on transcript NM_001371623.1 (MANE Select); coding-DNA position 1300, C replaced by T.
Protein change: p.Pro434Ser; replaces proline 434 with serine.
Molecular consequence: missense variant.
Genome position (GRCh38, 1-based): chr5:150,374,975, C>T. VCF-style: chr5-150374975-C-T. GRCh37 (hg19) VCF-style: chr5-149754538-C-T.
Other names: c.1069C>T, p.Pro357Ser (NM_000356.4, NM_001135245.2); c.1300C>T, p.Pro434Ser (NM_001008657.3, NM_001135243.2, NM_001135244.2 and 1 more transcripts); short protein forms P357S, P434S.
Identifiers: ClinVar variation 352205 (VCV000352205.39), dbSNP rs143519179, ClinGen allele CA3510828.